The following is an entry in ClinVar:

ClinVar aggregate classification (germline): Uncertain significance. Review status: criteria provided, multiple submitters, no conflicts (2 of 4 stars). 2 submissions from 2 submitters: Uncertain significance (2). Last evaluated 2023-05-26.

Submissions (2):

GeneDx
Classification: Uncertain significance. Last evaluated: 2023-05-26. Review status: criteria provided, single submitter. Criteria: GeneDx Variant Classification Process June 2021. Collection method: clinical testing. Allele origin: germline. Affected: yes.
Comment: Not observed at significant frequency in large population cohorts (gnomAD); In silico analysis supports that this missense variant has a deleterious effect on protein structure/function; Has not been previously published as pathogenic or benign to our knowledge

Labcorp Genetics (formerly Invitae), Labcorp
Classification: Uncertain significance. Last evaluated: 2021-12-25. Review status: criteria provided, single submitter. Criteria: Invitae Variant Classification Sherloc (09022015). Collection method: clinical testing. Allele origin: germline.
Comment: This sequence change replaces glutamic acid, which is acidic and polar, with glycine, which is neutral and non-polar, at codon 273 of the AP3B2 protein (p.Glu273Gly). This variant has not been reported in the literature in individuals affected with AP3B2-related conditions. This variant is not present in population databases (gnomAD no frequency). In summary, the available evidence is currently insufficient to determine the role of this variant in disease. Therefore, it has been classified as a Variant of Uncertain Significance. Algorithms developed to predict the effect of missense changes on protein structure and function (SIFT, PolyPhen-2, Align-GVGD) all suggest that this variant is likely to be tolerated.

NM_001278512.2(AP3B2):c.818A>G (p.Glu273Gly)

Genes: AP3B2 (adaptor related protein complex 3 subunit beta 2; minus strand), CPEB1-AS1 (CPEB1 antisense RNA 1; plus strand). Cytogenetic location: 15q25.2.
Variant type: single nucleotide variant.
Coding change: c.818A>G on transcript NM_001278512.2 (MANE Select); coding-DNA position 818, A replaced by G.
Protein change: p.Glu273Gly; replaces glutamic acid 273 with glycine.
Molecular consequence: missense variant.
Genome position (GRCh38, 1-based): chr15:82,680,709, T>C on the plus strand (A>G on the coding strand, the complement: AP3B2 is on the minus strand). VCF-style: chr15-82680709-T-C. GRCh37 (hg19) VCF-style: chr15-83349461-T-C.
Other names: c.722A>G, p.Glu241Gly (NM_001278511.2); c.818A>G, p.Glu273Gly (NM_004644.5); short protein forms E273G, E241G.
Identifiers: ClinVar variation 2056571 (VCV002056571.5), dbSNP rs2548711554, ClinGen allele CA393295405.